The following is an entry in ClinVar:

NM_015559.3(SETBP1):c.2764C>T (p.Leu922Phe)

Gene: SETBP1 (SET binding protein 1; plus strand). Cytogenetic location: 18q12.3.
Variant type: single nucleotide variant.
Coding change: c.2764C>T on transcript NM_015559.3 (MANE Select); coding-DNA position 2764, C replaced by T.
Protein change: p.Leu922Phe; replaces leucine 922 with phenylalanine.
Molecular consequence: missense variant.
Genome position (GRCh38, 1-based): chr18:44,952,104, C>T. VCF-style: chr18-44952104-C-T. GRCh37 (hg19) VCF-style: chr18-42532069-C-T.
Other names: c.2764C>T, p.Leu922Phe (NM_001379141.1, NM_001379142.1, NM_001410862.1); short protein forms L922F.
Identifiers: ClinVar variation 1946037 (VCV001946037.5), dbSNP rs2511473169, ClinGen allele CA402322160.

ClinVar aggregate classification (germline): Uncertain significance (1 of 4 stars; one submission).

Allele frequency attached by ClinVar (database versions not stated): gnomAD exomes below 0.00001.
gnomAD v4.1: 1 of 1,614,150 alleles (0.000062%); highest among the groups gnomAD compares: Non-Finnish European, 0.000085%; no homozygotes.

Submission:

Labcorp Genetics (formerly Invitae), Labcorp
Classification: Uncertain significance. Last evaluated: 2022-09-07. Review status: criteria provided, single submitter. Criteria: Invitae Variant Classification Sherloc (09022015). Collection method: clinical testing. Allele origin: germline.
Comment: This variant has not been reported in the literature in individuals affected with SETBP1-related conditions. This sequence change replaces leucine, which is neutral and non-polar, with phenylalanine, which is neutral and non-polar, at codon 922 of the SETBP1 protein (p.Leu922Phe). This variant is not present in population databases (gnomAD no frequency). Algorithms developed to predict the effect of missense changes on protein structure and function are either unavailable or do not agree on the potential impact of this missense change (SIFT: "Deleterious"; PolyPhen-2: "Probably Damaging"; Align-GVGD: "Class C15"). In summary, the available evidence is currently insufficient to determine the role of this variant in disease. Therefore, it has been classified as a Variant of Uncertain Significance.